The following is an entry in ClinVar:

NM_005726.6(TSFM):c.456A>G (p.Leu152=)

Gene: TSFM (Ts translation elongation factor, mitochondrial; plus strand). Cytogenetic location: 12q14.1.
Variant type: single nucleotide variant.
Coding change: c.456A>G on transcript NM_005726.6 (MANE Select); coding-DNA position 456, A replaced by G.
Protein change: p.Leu152=; no amino-acid change (leucine 152 retained).
Molecular consequence: synonymous variant.
Genome position (GRCh38, 1-based): chr12:57,787,135, A>G. VCF-style: chr12-57787135-A-G. GRCh37 (hg19) VCF-style: chr12-58180918-A-G.
Other names: c.456A>G, p.Leu152= (NM_001172695.2, NM_001172696.2, NM_001172697.2); c.456A>G (NM_001172696.1).
Identifiers: ClinVar variation 1670649 (VCV001670649.9), dbSNP rs762593346, ClinGen allele CA6659351.

ClinVar aggregate classification (germline): Likely benign. Review status: criteria provided, multiple submitters, no conflicts (2 of 4 stars). 2 submissions from 2 submitters: Likely benign (2). Last evaluated 2025-08-29.

Conditions:
TSFM-related disorder. Also called: TSFM-related condition.

Allele frequency attached by ClinVar (database versions not stated): TOPMed below 0.00001; gnomAD exomes 0.00001 and 0.00002; ExAC 0.00002.
gnomAD v4.1: 30 of 1,595,458 alleles (0.0019%); highest among the groups gnomAD compares: Non-Finnish European, 0.0024%; no homozygotes.

Submissions (2):

PreventionGenetics, part of Exact Sciences
Classification: Likely benign for TSFM-related condition. Last evaluated: 2025-08-29. Review status: criteria provided, single submitter. Criteria: ACMG Guidelines, 2015. Collection method: clinical testing. Allele origin: germline.
Comment: This variant is classified as likely benign based on ACMG/AMP sequence variant interpretation guidelines (Richards et al. 2015 PMID: 25741868, with internal and published modifications).

Labcorp Genetics (formerly Invitae), Labcorp
Classification: Likely benign. Last evaluated: 2025-08-28. Review status: criteria provided, single submitter. Criteria: Invitae Variant Classification Sherloc (09022015). Collection method: clinical testing. Allele origin: germline.